The following is an entry in ClinVar:

NM_000455.5(STK11):c.748del (p.Thr250fs)

Gene: STK11 (serine/threonine kinase 11; plus strand). Cytogenetic location: 19p13.3.
Variant type: Deletion.
Coding change: c.748del on transcript NM_000455.5 (MANE Select); coding-DNA position 748, one base deleted (A; older notation c.748delA).
Protein change: p.Thr250fs; shifts the reading frame from threonine 250.
Molecular consequence: frameshift variant. On other transcripts: non-coding transcript variant (1).
Genome position (GRCh38, 1-based): chr19:1,221,226, A deleted. VCF-style (leftmost placement, unchanged base first): chr19-1221225-CA-C. GRCh37 (hg19) VCF-style: chr19-1221224-CA-C.
Other names: c.748del, p.Thr250fs (NM_001407255.1); short protein forms T250fs.
Identifiers: ClinVar variation 2763386 (VCV002763386.3), dbSNP rs2512945021, ClinGen allele CA2697555602.

ClinVar aggregate classification (germline): Pathogenic (1 of 4 stars; one submission).

Conditions:
Peutz-Jeghers syndrome (PJS). Also called: POLYPOSIS, HAMARTOMATOUS INTESTINAL; POLYPS-AND-SPOTS SYNDROME; Peutz-Jeghers polyposis; Periorificial lentiginosis syndrome. Identifiers: Orphanet 2869, MedGen C0031269, MeSH D010580, MONDO:0008280, OMIM 175200.

Submission:

Labcorp Genetics (formerly Invitae), Labcorp
Classification: Pathogenic for Peutz-Jeghers syndrome. Last evaluated: 2023-09-26. Review status: criteria provided, single submitter. Criteria: Invitae Variant Classification Sherloc (09022015). Collection method: clinical testing. Allele origin: germline.
Comment: For these reasons, this variant has been classified as Pathogenic. This variant has not been reported in the literature in individuals affected with STK11-related conditions. This variant is not present in population databases (gnomAD no frequency). This sequence change creates a premature translational stop signal (p.Thr250Argfs*37) in the STK11 gene. It is expected to result in an absent or disrupted protein product. Loss-of-function variants in STK11 are known to be pathogenic (PMID: 15188174, 16287113).

Literature cited by the submitters: PubMed 15188174; PubMed 16287113.